The following is an entry in ClinVar:

NM_000350.3(ABCA4):c.1528C>G (p.Leu510Val)

Gene: ABCA4 (ATP binding cassette subfamily A member 4; minus strand). Cytogenetic location: 1p22.1.
Variant type: single nucleotide variant.
Coding change: c.1528C>G on transcript NM_000350.3 (MANE Select); coding-DNA position 1528, C replaced by G.
Protein change: p.Leu510Val; replaces leucine 510 with valine.
Molecular consequence: missense variant.
Genome position (GRCh38, 1-based): chr1:94,077,716, G>C on the plus strand (C>G on the coding strand, the complement: ABCA4 is on the minus strand). VCF-style: chr1-94077716-G-C. GRCh37 (hg19) VCF-style: chr1-94543272-G-C.
Other names: c.1528C>G, p.Leu510Val (NM_001425324.1); short protein forms L510V.
Identifiers: ClinVar variation 1931584 (VCV001931584.2), dbSNP rs758584771, ClinGen allele CA341281844.

ClinVar aggregate classification (germline): Uncertain significance (1 of 4 stars; one submission).

gnomAD v4.1: 6 of 1,613,666 alleles (0.00037%); highest among the groups gnomAD compares: African/African-American, 0.0013%; no homozygotes.

Submission:

Labcorp Genetics (formerly Invitae), Labcorp
Classification: Uncertain significance. Last evaluated: 2022-07-05. Review status: criteria provided, single submitter. Criteria: Invitae Variant Classification Sherloc (09022015). Collection method: clinical testing. Allele origin: germline.
Comment: This sequence change replaces leucine, which is neutral and non-polar, with valine, which is neutral and non-polar, at codon 510 of the ABCA4 protein (p.Leu510Val). This variant is not present in population databases (gnomAD no frequency). This variant has not been reported in the literature in individuals affected with ABCA4-related conditions. Advanced modeling of protein sequence and biophysical properties (such as structural, functional, and spatial information, amino acid conservation, physicochemical variation, residue mobility, and thermodynamic stability) performed at Invitae indicates that this missense variant is not expected to disrupt ABCA4 protein function. This variant disrupts the p.Leu510 amino acid residue in ABCA4. Other variant(s) that disrupt this residue have been determined to be pathogenic (PMID: 29925512; Invitae). This suggests that this residue is clinically significant, and that variants that disrupt this residue are likely to be disease-causing. In summary, the available evidence is currently insufficient to determine the role of this variant in disease. Therefore, it has been classified as a Variant of Uncertain Significance.

Literature cited by the submitters: PubMed 29925512.